The following is an entry in ClinVar:

ClinVar aggregate classification (germline): Likely benign. Review status: criteria provided, multiple submitters, no conflicts (2 of 4 stars). 4 submissions from 4 submitters: Likely benign (4). Last evaluated 2026-01-24.

Allele frequency attached by ClinVar (database versions not stated): TOPMed 0.00009; ExAC 0.00011; gnomAD exomes 0.00011; gnomAD 0.00007 and 0.00009.
gnomAD v4.1: 95 of 1,558,770 alleles (0.0061%); highest among the groups gnomAD compares: Middle Eastern, 0.017%; no homozygotes.

Submissions (4):

Labcorp Genetics (formerly Invitae), Labcorp
Classification: Likely benign. Last evaluated: 2026-01-24. Review status: criteria provided, single submitter. Criteria: Invitae Variant Classification Sherloc (09022015). Collection method: clinical testing. Allele origin: germline.

Blueprint Genetics
Classification: Likely benign. Last evaluated: 2023-11-27. Review status: criteria provided, single submitter. Criteria: ACMG Guidelines, 2015. Collection method: clinical testing. Allele origin: germline.

GeneDx
Classification: Likely benign. Last evaluated: 2017-07-11. Review status: criteria provided, single submitter. Criteria: GeneDx Variant Classification (06012015). Collection method: clinical testing. Allele origin: germline. Affected: yes.
Comment: This variant is considered likely benign or benign based on one or more of the following criteria: it is a conservative change, it occurs at a poorly conserved position in the protein, it is predicted to be benign by multiple in silico algorithms, and/or has population frequency not consistent with disease.

Laboratory for Molecular Medicine, Mass General Brigham Personalized Medicine
Classification: Likely benign. Last evaluated: 2016-07-21. Review status: criteria provided, single submitter. Criteria: LMM Criteria. Collection method: clinical testing. Allele origin: germline. Observed: 1 variant allele.
Comment: c.2628+14G>A in intron 35 of COL11A2: This variant is not expected to have clini cal significance because it is not located within the splice consensus sequence. It has been identified in 10/56344 European chromosomes by the Exome Aggregati on Consortium (ExAC; dbSNP rs559123089).

NM_080680.3(COL11A2):c.2628+14G>A

Gene: COL11A2 (collagen type XI alpha 2 chain; minus strand). Cytogenetic location: 6p21.32.
Variant type: single nucleotide variant.
Coding change: c.2628+14G>A on transcript NM_080680.3 (MANE Select); 14 bases into the intron after coding-DNA position 2628, G replaced by A.
Molecular consequence: intron variant.
Genome position (GRCh38, 1-based): chr6:33,173,687, C>T on the plus strand (G>A on the coding strand, the complement: COL11A2 is on the minus strand). VCF-style: chr6-33173687-C-T. GRCh37 (hg19) VCF-style: chr6-33141464-C-T.
Other names: c.2307+14G>A (NM_080679.3); c.2370+14G>A (NM_080681.3).
Identifiers: ClinVar variation 505214 (VCV000505214.13), dbSNP rs559123089, ClinGen allele CA3750810.
Genomic context (GRCh38, chr6:33,173,687, plus strand): 5'-GGGGTGAGGAGGGAGCTGGCTCACCCAGGCTCCCTGGGGACCTCAGGGGAAGGGGACTTT[C>T]GATCCACACTCACCCTCTCTCCAGGGGGCCCATGGGGGCCATCACCACCAGATGTTCCCT-3'